The following is an entry in ClinVar:

NM_000426.4(LAMA2):c.7637T>G (p.Val2546Gly)

Gene: LAMA2 (laminin subunit alpha 2; plus strand). Cytogenetic location: 6q22.33.
Variant type: single nucleotide variant.
Coding change: c.7637T>G on transcript NM_000426.4 (MANE Select); coding-DNA position 7637, T replaced by G.
Protein change: p.Val2546Gly; replaces valine 2546 with glycine.
Molecular consequence: missense variant.
Genome position (GRCh38, 1-based): chr6:129,481,327, T>G. VCF-style: chr6-129481327-T-G. GRCh37 (hg19) VCF-style: chr6-129802472-T-G.
Other names: c.7625T>G, p.Val2542Gly (NM_001079823.2); short protein forms V2542G, V2546G.
Identifiers: ClinVar variation 1981298 (VCV001981298.4), dbSNP rs955570688, ClinGen allele CA365627957.

ClinVar aggregate classification (germline): Uncertain significance (1 of 4 stars; one submission).

Conditions:
LAMA2-related muscular dystrophy (LAMA2-RD). Also called: Laminin alpha 2-related dystrophy. Identifiers: MedGen C5679788, MONDO:0100228.

Submission:

Labcorp Genetics (formerly Invitae), Labcorp
Classification: Uncertain significance for LAMA2-related muscular dystrophy. Last evaluated: 2022-08-16. Review status: criteria provided, single submitter. Criteria: Invitae Variant Classification Sherloc (09022015). Collection method: clinical testing. Allele origin: germline.
Comment: In summary, the available evidence is currently insufficient to determine the role of this variant in disease. Therefore, it has been classified as a Variant of Uncertain Significance. Advanced modeling of protein sequence and biophysical properties (such as structural, functional, and spatial information, amino acid conservation, physicochemical variation, residue mobility, and thermodynamic stability) performed at Invitae indicates that this missense variant is not expected to disrupt LAMA2 protein function. This variant has not been reported in the literature in individuals affected with LAMA2-related conditions. This variant is not present in population databases (gnomAD no frequency). This sequence change replaces valine, which is neutral and non-polar, with glycine, which is neutral and non-polar, at codon 2546 of the LAMA2 protein (p.Val2546Gly).